The following is an entry in ClinVar:

ClinVar aggregate classification (germline): Pathogenic/Likely pathogenic. Review status: criteria provided, multiple submitters, no conflicts (2 of 4 stars). 3 submissions from 3 submitters: Pathogenic (2); Likely pathogenic (1). Last evaluated 2025-07-03.

Conditions:
Epidermolysis bullosa pruriginosa. Also called: DEB, PRURIGINOSA; DYSTROPHIC EPIDERMOLYSIS BULLOSA PRURIGINOSA. Identifiers: Orphanet 89843, MedGen C1275114, MONDO:0011398, OMIM 604129.
Generalized dominant dystrophic epidermolysis bullosa (DDEB). Also called: DDEB, generalized; DDEB-gen; DYSTROPHIC EPIDERMOLYSIS BULLOSA, AUTOSOMAL DOMINANT; Epidermolysis bullosa dystrophica, autosomal dominant; Dominant DEB (DDEB). Identifiers: Orphanet 231568, MedGen C0432322, MONDO:0007549, OMIM 131750.
Recessive dystrophic epidermolysis bullosa (RDEB). Also called: severe generalized recessive dystrophic epidermolysis bullosa; epidermolysis bullosa dystrophica, autosomal recessive; Hallopeau-Siemens Disease; EPIDERMOLYSIS BULLOSA DYSTROPHICA, GENERALIZED SEVERE, AUTOSOMAL RECESSIVE; Recessive DEB (RDEB); Epidermolysis Bullosa Distrophica Autosomal Recessive (RDEB). Identifiers: Orphanet 79408, Orphanet 79409, MedGen C0079474, MONDO:0009179, OMIM 226600.
Nonsyndromic congenital nail disorder 8. Also called: TOENAIL DYSTROPHY, ISOLATED. Identifiers: MedGen C1843761, MONDO:0011852, OMIM 607523.
Pretibial dystrophic epidermolysis bullosa. Also called: Pretibial epidermolysis bullosa; EPIDERMOLYSIS BULLOSA DYSTROPHICA, PRETIBIAL; Pretibial blistering. Identifiers: Orphanet 79410, MedGen C0432321, MONDO:0007552, OMIM 131850, HP:0012221.
Dominant dystrophic epidermolysis bullosa with absence of skin. Also called: EPIDERMOLYSIS BULLOSA WITH CONGENITAL LOCALIZED ABSENCE OF SKIN AND DEFORMITY OF NAILS; EPIDERMOLYSIS BULLOSA DYSTROPHICA, BART TYPE. Identifiers: MedGen C0268371, MONDO:0007557, OMIM 132000.
Transient bullous dermolysis of the newborn (TBDN). Also called: DYSTROPHIC EPIDERMOLYSIS BULLOSA, NEONATAL; EPIDERMOLYSIS BULLOSA DYSTROPHICA, NEONATAL FORM. Identifiers: Orphanet 79411, MedGen C1851573, MONDO:0007548, OMIM 131705.

Submissions (3):

Myriad Genetics, Inc.
Classification: Pathogenic for Recessive dystrophic epidermolysis bullosa. Last evaluated: 2025-07-03. Review status: criteria provided, single submitter. Criteria: Myriad Autosomal Dominant, Autosomal Recessive and X-Linked Classification Criteria (2023). Collection method: clinical testing. Allele origin: unknown.
Comment: NM_000094.3(COL7A1):c.3636delC(F1213Sfs*52) is expected to be pathogenic in the context of dystrophic epidermolysis bullosa. This variant is predicted to lead to an abnormal or absent protein product due to the creation of a premature termination codon in COL7A1, a gene where loss-of-function variants are known to be pathogenic. Please note: this variant was assessed in the context of healthy population screening.

Labcorp Genetics (formerly Invitae), Labcorp
Classification: Pathogenic. Last evaluated: 2024-08-05. Review status: criteria provided, single submitter. Criteria: Invitae Variant Classification Sherloc (09022015). Collection method: clinical testing. Allele origin: germline.
Comment: This sequence change creates a premature translational stop signal (p.Phe1213Serfs*52) in the COL7A1 gene. It is expected to result in an absent or disrupted protein product. Loss-of-function variants in COL7A1 are known to be pathogenic (PMID: 16971478). This variant is not present in population databases (gnomAD no frequency). This variant has not been reported in the literature in individuals affected with COL7A1-related conditions. ClinVar contains an entry for this variant (Variation ID: 1402177). For these reasons, this variant has been classified as Pathogenic.

Fulgent Genetics
Classification: Likely pathogenic for Transient bullous dermolysis of the newborn; Generalized dominant dystrophic epidermolysis bullosa; Pretibial dystrophic epidermolysis bullosa; Dominant dystrophic epidermolysis bullosa with absence of skin; Recessive dystrophic epidermolysis bullosa; Epidermolysis bullosa pruriginosa; Nonsyndromic congenital nail disorder 8. Last evaluated: 2021-09-24. Review status: criteria provided, single submitter. Criteria: ACMG Guidelines, 2015. Collection method: clinical testing. Allele origin: unknown.

Literature cited by the submitters: PubMed 16971478 (cited by Labcorp Genetics (formerly Invitae), Labcorp).

NM_000094.4(COL7A1):c.3636del (p.Phe1213fs)

Gene: COL7A1 (collagen type VII alpha 1 chain; minus strand). Cytogenetic location: 3p21.31.
Variant type: Deletion.
Coding change: c.3636del on transcript NM_000094.4 (MANE Select); coding-DNA position 3636, one base deleted (C; older notation c.3636delC).
Protein change: p.Phe1213fs; shifts the reading frame from phenylalanine 1213.
Molecular consequence: frameshift variant.
Genome position (GRCh38, 1-based): chr3:48,586,161, G deleted on the plus strand (C on the coding strand, the reverse complement: COL7A1 is on the minus strand); the first of 2 consecutive G bases (chr3:48,586,161-48,586,162); deleting either gives the same sequence. VCF-style (leftmost placement, unchanged base first): chr3-48586160-AG-A. GRCh37 (hg19) VCF-style: chr3-48623593-AG-A.
Other names: short protein forms F1213fs.
Identifiers: ClinVar variation 1402177 (VCV001402177.8), dbSNP rs2107746826, ClinGen allele CA2573137302.
Genomic context (GRCh38, chr3:48,586,160, plus strand): 5'-GGGCTGTGGCCAGACCACTGACTGCCTGGTCCAGGCTTGGCCCATCATCCACGGCGAAGA[AG>A]GTCTGGACAGAGTCCATACCCGGCGCCAAGCGACGCAGCTGCTCTGGGTCCGCTCCAGCC-3'